The following is an entry in ClinVar:

NM_014336.5(AIPL1):c.931C>T (p.Arg311Cys)

Gene: AIPL1 (AIP like 1 HSP90 co-chaperone; minus strand). Cytogenetic location: 17p13.2.
Variant type: single nucleotide variant.
Coding change: c.931C>T on transcript NM_014336.5 (MANE Select); coding-DNA position 931, C replaced by T.
Protein change: p.Arg311Cys; replaces arginine 311 with cysteine.
Molecular consequence: missense variant. On other transcripts: 3 prime UTR variant (1).
Genome position (GRCh38, 1-based): chr17:6,425,684, G>A on the plus strand (C>T on the coding strand, the complement: AIPL1 is on the minus strand). VCF-style: chr17-6425684-G-A. GRCh37 (hg19) VCF-style: chr17-6329004-G-A.
Other names: NM_014336.5(AIPL1):c.931C>T; p.Arg311Cys; c.742C>T, p.Arg248Cys (NM_001033054.3); c.751C>T, p.Arg251Cys (NM_001033055.3); c.895C>T, p.Arg299Cys (NM_001285399.3); c.865C>T, p.Arg289Cys (NM_001285400.3); c.859C>T, p.Arg287Cys (NM_001285401.3); c.814C>T, p.Arg272Cys (NM_001285402.2); and 1 more; short protein forms R248C, R287C, R272C, R289C, R299C, R251C, R311C.
Identifiers: ClinVar variation 3513086 (VCV003513086.2).

ClinVar aggregate classification (germline): Uncertain significance. Review status: reviewed by expert panel (3 of 4 stars). 3 submissions from 3 submitters: Uncertain significance (1). 2 of the submissions do not count toward it. Last evaluated 2025-09-29.

Conditions:
Inborn genetic diseases. Identifiers: MedGen C0950123, MeSH D030342.
AIPL1-related retinopathy. Also called: AIPL1 retinopathy. Identifiers: MedGen CN305590, MONDO:0100438.

Submissions (3):

ClinGen Leber Congenital Amaurosis/early Onset Retinal Dystrophy Variant Curation Expert Panel, ClinGen
Classification: Uncertain significance for AIPL1-related retinopathy. Last evaluated: 2025-09-29. Review status: reviewed by expert panel. Criteria: ClinGen LCAeoRD ACMG Specifications AIPL1 V1.0.0. Collection method: curation. Allele origin: germline. Inheritance: Autosomal recessive inheritance.
Comment: NM_014336.5(AIPL1):c.931C>T (p.Arg311Cys) is a missense variant replacing arginine with cysteine at amino acid p.311. This variant is present in gnomAD v.4.1.0 at a total allele frequency of 0.000004349, with 7 alleles / 1,609,436 total alleles, which is lower than the ClinGen LCA/eoRD VCEP PM2_Supporting threshold of <0.0004 (PM2_Supporting). The computational predictor REVEL gives a score of 0.519, which is below the ClinGen LCA/eoRD VCEP threshold of ≥0.644 and does not predict a damaging effect on AIPL1 protein function. Additionally, the splicing impact predictor SpliceAI gives a score of 0.00, which is below the ClinGen LCA/eoRD VCEP recommended threshold of ≥0.2 and does not strongly predict an impact on splicing. No published probands harboring the variant have been identified. In summary, this variant meets the criteria to be classified as a Variant of Uncertain Significance for AIPL1-related retinopathy based on the ACMG/AMP criteria applied, as specified by the ClinGen LCA/eoRD VCEP: PM2_Supporting. (VCEP specifications version 1.0.0; date of approval 09/24/2025).

Ambry Genetics
Classification: Uncertain significance for Inborn genetic diseases. Last evaluated: 2024-11-14. Review status: criteria provided, single submitter. Criteria: Ambry Variant Classification Scheme 2023. Collection method: clinical testing. Allele origin: germline. Not counted in ClinVar's aggregate classification.

Blueprint Genetics
Classification: Uncertain significance. Last evaluated: 2021-02-16. Review status: criteria provided, single submitter. Criteria: ACMG Guidelines, 2015. Collection method: clinical testing. Allele origin: germline. Not counted in ClinVar's aggregate classification.